The following is an entry in ClinVar:

ClinVar aggregate classification (germline): Likely benign (1 of 4 stars; one submission).

Conditions:
PKD1-related disorder. Also called: PKD1-related condition.

Submission:

PreventionGenetics, part of Exact Sciences
Classification: Likely benign for PKD1-related condition. Last evaluated: 2025-12-14. Review status: criteria provided, single submitter. Criteria: ACMG Guidelines, 2015. Collection method: clinical testing. Allele origin: germline.
Comment: This variant is classified as likely benign based on ACMG/AMP sequence variant interpretation guidelines (Richards et al. 2015 PMID: 25741868, with internal and published modifications).

NM_001009944.3(PKD1):c.5288C>G (p.Ser1763Cys)

Gene: PKD1 (polycystin 1, transient receptor potential channel interacting; minus strand). Cytogenetic location: 16p13.3.
Variant type: single nucleotide variant.
Coding change: c.5288C>G on transcript NM_001009944.3 (MANE Select); coding-DNA position 5288, C replaced by G.
Protein change: p.Ser1763Cys; replaces serine 1763 with cysteine.
Molecular consequence: missense variant.
Genome position (GRCh38, 1-based): chr16:2,109,879, G>C on the plus strand (C>G on the coding strand, the complement: PKD1 is on the minus strand). VCF-style: chr16-2109879-G-C. GRCh37 (hg19) VCF-style: chr16-2159880-G-C.
Other names: c.5288C>G, p.Ser1763Cys (NM_000296.4); short protein forms S1763C.
Identifiers: ClinVar variation 4980157 (VCV004980157.1).